The following is an entry in ClinVar:

ClinVar aggregate classification (germline): Pathogenic (1 of 4 stars; one submission).

Conditions:
Glycogen storage disease, type II (IOPD). Also called: POMPE DISEASE, INFANTILE-ONSET; GLYCOGEN STORAGE DISEASE II, INFANTILE-ONSET; ACID ALPHA-GLUCOSIDASE DEFICIENCY, INFANTILE-ONSET; GAA DEFICIENCY, INFANTILE-ONSET; ACID MALTASE DEFICIENCY, INFANTILE-ONSET; Glycogen storage disease type 2. Identifiers: Orphanet 365, MedGen C0017921, MONDO:0009290, OMIM 232300.

Submission:

Labcorp Genetics (formerly Invitae), Labcorp
Classification: Pathogenic for Glycogen storage disease, type II. Last evaluated: 2024-06-24. Review status: criteria provided, single submitter. Criteria: Invitae Variant Classification Sherloc (09022015). Collection method: clinical testing. Allele origin: germline.
Comment: This sequence change creates a premature translational stop signal (p.Glu530*) in the GAA gene. It is expected to result in an absent or disrupted protein product. Loss-of-function variants in GAA are known to be pathogenic (PMID: 18425781, 22252923). This variant is not present in population databases (gnomAD no frequency). This variant has not been reported in the literature in individuals affected with GAA-related conditions. Algorithms developed to predict the effect of sequence changes on RNA splicing suggest that this variant may disrupt the consensus splice site. For these reasons, this variant has been classified as Pathogenic.

Literature cited by the submitters: PubMed 18425781; PubMed 22252923.

NM_000152.5(GAA):c.1588G>T (p.Glu530Ter)

Gene: GAA (alpha glucosidase; plus strand). Cytogenetic location: 17q25.3.
Variant type: single nucleotide variant.
Coding change: c.1588G>T on transcript NM_000152.5 (MANE Select); coding-DNA position 1588, G replaced by T.
Protein change: p.Glu530Ter; replaces glutamic acid 530 with a stop codon.
Molecular consequence: nonsense.
Genome position (GRCh38, 1-based): chr17:80,110,977, G>T. VCF-style: chr17-80110977-G-T. GRCh37 (hg19) VCF-style: chr17-78084776-G-T.
Other names: c.1588G>T, p.Glu530Ter (NM_001079803.3, NM_001079804.3, NM_001406741.1 and 1 more transcripts); short protein forms E530*.
Identifiers: ClinVar variation 3657633 (VCV003657633.2).
Genomic context (GRCh38, chr17:80,110,977, plus strand): 5'-CTACCAGCAGCGCTTCTCTTGCAGGACATGAACGAGCCTTCCAACTTCATCAGGGGCTCT[G>T]AGGACGGCTGCCCCAACAATGAGCTGGAGAACCCACCCTACGTGCCTGGTCAGCTCGCCC-3'